The following is an entry in ClinVar:

NM_002016.2(FLG):c.1826del (p.Ser609fs)

Genes: CCDST (cervical cancer associated DHX9 suppressive transcript; plus strand), FLG (filaggrin; minus strand). Cytogenetic location: 1q21.3.
Variant type: Deletion.
Coding change: c.1826del on transcript NM_002016.2 (MANE Select); coding-DNA position 1826, one base deleted (C; older notation c.1826delC).
Protein change: p.Ser609fs; shifts the reading frame from serine 609.
Molecular consequence: frameshift variant.
Genome position (GRCh38, 1-based): chr1:152,313,060, G deleted on the plus strand (C on the coding strand, the reverse complement: FLG is on the minus strand). VCF-style (leftmost placement, unchanged base first): chr1-152313059-CG-C. GRCh37 (hg19) VCF-style: chr1-152285535-CG-C.
Other names: c.1826delC, p.Ser609Trpfs (NM_002016.1); short protein forms S609fs.
Identifiers: ClinVar variation 3602925 (VCV003602925.2).

ClinVar aggregate classification (germline): Pathogenic (1 of 4 stars; one submission).

Submission:

GeneDx
Classification: Pathogenic. Last evaluated: 2026-04-09. Review status: criteria provided, single submitter. Criteria: GeneDx Variant Classification Process June 2021. Collection method: clinical testing. Allele origin: germline.
Comment: Has not been previously published as pathogenic or benign to our knowledge; Frameshift variant predicted to result in abnormal protein length as the last 3453 amino acid(s) are replaced with 188 different amino acid(s), and other similar variants have been reported in HGMD; This variant is associated with the following publications: (PMID: 16444271)